The following is an entry in ClinVar:

NM_001083619.3(GRIA2):c.1984A>G (p.Lys662Glu)

Gene: GRIA2 (glutamate ionotropic receptor AMPA type subunit 2; plus strand). Cytogenetic location: 4q32.1.
Variant type: single nucleotide variant.
Coding change: c.1984A>G on transcript NM_001083619.3 (MANE Select); coding-DNA position 1984, A replaced by G.
Protein change: p.Lys662Glu; replaces lysine 662 with glutamic acid.
Molecular consequence: missense variant.
Genome position (GRCh38, 1-based): chr4:157,341,403, A>G. VCF-style: chr4-157341403-A-G. GRCh37 (hg19) VCF-style: chr4-158262555-A-G.
Other names: c.1984A>G, p.Lys662Glu (NM_000826.6); c.1843A>G, p.Lys615Glu (NM_001083620.3, NM_001379000.3, NM_001379001.3); short protein forms K615E, K662E.
Identifiers: ClinVar variation 1698168 (VCV001698168.3), dbSNP rs1735540734, ClinGen allele CA358649051.
Genomic context (GRCh38, chr4:157,341,403, plus strand): 5'-GCTGCCTTCCTGACTGTAGAGAGGATGGTGTCTCCCATCGAAAGTGCTGAGGATCTTTCT[A>G]AGCAAACAGAAATTGCTTATGGAACATTAGACTCTGGCTCCACTAAAGAGTTTTTCAGGG-3'
Protein context (NP_001077088.2, residues 652-672): SPIESAEDLS[Lys662Glu]QTEIAYGTLD

ClinVar aggregate classification (germline): Uncertain significance (1 of 4 stars; one submission).

Allele frequency attached by ClinVar (database versions not stated): TOPMed below 0.00001.

Submission:

GeneDx
Classification: Uncertain significance. Last evaluated: 2024-07-13. Review status: criteria provided, single submitter. Criteria: GeneDx Variant Classification Process June 2021. Collection method: clinical testing. Allele origin: germline.
Comment: Not observed at significant frequency in large population cohorts (gnomAD); In silico analysis supports that this missense variant has a deleterious effect on protein structure/function; Has not been previously published as pathogenic or benign to our knowledge